The following is an entry in ClinVar:

NM_004656.4(BAP1):c.2057-12A>G

Gene: BAP1 (BRCA1 associated deubiquitinase 1; minus strand). Cytogenetic location: 3p21.1.
Variant type: single nucleotide variant.
Coding change: c.2057-12A>G on transcript NM_004656.4 (MANE Select); 12 bases into the intron before coding-DNA position 2057, A replaced by G.
Molecular consequence: intron variant.
Genome position (GRCh38, 1-based): chr3:52,402,433, T>C on the plus strand (A>G on the coding strand, the complement: BAP1 is on the minus strand). VCF-style: chr3-52402433-T-C. GRCh37 (hg19) VCF-style: chr3-52436449-T-C.
Identifiers: ClinVar variation 1636012 (VCV001636012.9), dbSNP rs923665237, ClinGen allele CA74739897.

ClinVar aggregate classification (germline): Likely benign. Review status: criteria provided, multiple submitters, no conflicts (2 of 4 stars). 3 submissions from 3 submitters: Likely benign (3). Last evaluated 2025-11-03.

Conditions:
Hereditary cancer-predisposing syndrome. Also called: Neoplastic Syndromes, Hereditary; Tumor predisposition; Hereditary Cancer Syndrome; Hereditary neoplastic syndrome. Identifiers: Orphanet 140162, MedGen C0027672, MeSH D009386, MONDO:0015356.
BAP1-related tumor predisposition syndrome (TPDS1). Also called: BAP1 tumor predisposition syndrome; Tumor susceptibility linked to germline BAP1 mutations; COMMON Syndrome; TUMOR PREDISPOSITION SYNDROME 1. Identifiers: Orphanet 289539, MedGen C3280492, MONDO:0013692, OMIM 614327.

Allele frequency attached by ClinVar (database versions not stated): gnomAD 0.00001; gnomAD exomes 0.00001.

Submissions (3):

Color Diagnostics, LLC DBA Color Health
Classification: Likely benign for Hereditary cancer-predisposing syndrome. Last evaluated: 2025-11-03. Review status: criteria provided, single submitter. Criteria: ACMG Guidelines, 2015. Collection method: clinical testing. Allele origin: germline.

Labcorp Genetics (formerly Invitae), Labcorp
Classification: Likely benign for BAP1-related tumor predisposition syndrome. Last evaluated: 2025-03-03. Review status: criteria provided, single submitter. Criteria: Invitae Variant Classification Sherloc (09022015). Collection method: clinical testing. Allele origin: germline.

Myriad Genetics, Inc.
Classification: Likely benign for BAP1-related tumor predisposition syndrome. Last evaluated: 2024-07-17. Review status: criteria provided, single submitter. Criteria: Myriad Autosomal Dominant, Autosomal Recessive and X-Linked Classification Criteria (2023). Collection method: clinical testing. Allele origin: unknown.
Comment: This variant is considered likely benign. This variant is intronic and is not expected to impact mRNA splicing.